The following is an entry in ClinVar:

ClinVar aggregate classification (germline): Benign/Likely benign. Review status: criteria provided, multiple submitters, no conflicts (2 of 4 stars). 2 submissions from 2 submitters: Benign (1); Likely benign (1). Last evaluated 2024-09-12.

Conditions:
Hereditary cancer-predisposing syndrome. Also called: Neoplastic Syndromes, Hereditary; Tumor predisposition; Hereditary Cancer Syndrome; Hereditary neoplastic syndrome. Identifiers: Orphanet 140162, MedGen C0027672, MeSH D009386, MONDO:0015356.
Hereditary diffuse gastric adenocarcinoma (HDGC). Also called: DIFFUSE GASTRIC AND LOBULAR BREAST CANCER SYNDROME. Identifiers: Orphanet 26106, MedGen C1708349, MONDO:0007648, OMIM 137215.

Submissions (2):

Myriad Genetics, Inc.
Classification: Benign for Hereditary diffuse gastric adenocarcinoma. Last evaluated: 2024-09-12. Review status: criteria provided, single submitter. Criteria: Myriad Autosomal Dominant, Autosomal Recessive and X-Linked Classification Criteria (2023). Collection method: clinical testing. Allele origin: unknown.
Comment: This variant is considered benign. This variant is a silent/synonymous amino acid change and it is not expected to impact splicing.

Ambry Genetics
Classification: Likely benign for Hereditary cancer-predisposing syndrome. Last evaluated: 2019-11-20. Review status: criteria provided, single submitter. Criteria: Ambry Variant Classification Scheme 2023. Collection method: clinical testing. Allele origin: germline.

NM_004360.5(CDH1):c.399T>C (p.Ser133=)

Gene: CDH1 (cadherin 1; plus strand). Cytogenetic location: 16q22.1.
Variant type: single nucleotide variant.
Coding change: c.399T>C on transcript NM_004360.5 (MANE Select); coding-DNA position 399, T replaced by C.
Protein change: p.Ser133=; no amino-acid change (serine 133 retained).
Molecular consequence: synonymous variant. On other transcripts: 5 prime UTR variant (2).
Genome position (GRCh38, 1-based): chr16:68,808,435, T>C. VCF-style: chr16-68808435-T-C. GRCh37 (hg19) VCF-style: chr16-68842338-T-C.
Other names: c.399T>C, p.Ser133= (NM_001317184.2); c.-1217T>C (NM_001317185.2); c.-1421T>C (NM_001317186.2).
Identifiers: ClinVar variation 1736838 (VCV001736838.3), dbSNP rs1801024, ClinGen allele CA496152743.